The following is an entry in ClinVar:

NC_012920.1(MT-TV):m.1619C>T

Gene: MT-TV (mitochondrially encoded tRNA valine; plus strand).
Variant type: single nucleotide variant.
Genome position: chrM-1619-C-T.
Identifiers: ClinVar variation 618222 (VCV000618222.10), dbSNP rs1569483811, ClinGen allele CA913163215.

ClinVar aggregate classification (germline): Uncertain significance. Review status: reviewed by expert panel (3 of 4 stars). 3 submissions from 3 submitters: Uncertain significance (1). 2 of the submissions do not count toward it. Last evaluated 2023-06-26.

Conditions:
Mitochondrial disease. Also called: Mitochondrial disorders; Mitochondrial disorder. Identifiers: Orphanet 68380, MedGen C0751651, MeSH D028361, MONDO:0044970.
MELAS syndrome (MELAS). Also called: Juvenile myopathy, encephalopathy, lactic acidosis, stroke. Identifiers: Orphanet 550, MedGen C0162671, MONDO:0010789, OMIM 540000.

Submissions (3):

ClinGen Mitochondrial Disease Nuclear and Mitochondrial  Variant Curation Expert Panel, ClinGen
Classification: Uncertain significance for Mitochondrial disease. Last evaluated: 2023-06-26. Review status: reviewed by expert panel. Criteria: clingen mito disease acmg specifications v1-1. Collection method: curation. Allele origin: germline. Inheritance: Mitochondrial inheritance.
Comment: The m.1619C>T variant in MT-TV has been reported in one individual in the medical literature, however no clinical details are provided (PMID: 31965079). There are no reported de novo occurrences of this variant to our knowledge. There are no reports of large families with this variant segregating with disease manifestations. This variant is present in population databases (Mitomap's 3/59,389 sequences: AF=0.005%; Helix's 24/195,983 sequences: AF=0.055%; and gnomAD v3.1.2: AF=0.005% including three homoplasmic occurrences). The computational predictor MitoTIP suggests this variant is benign (15.2 percentile) and HmtVAR (score 0) predicts it to be polymorphic (BP4). There are no cybrids, single fiber studies, or other functional assays reported on this variant. In summary, this variant meets criteria to be classified as uncertain significance for primary mitochondrial disease inherited in a mitochondrial manner. This classification was approved by the NICHD/NINDS U24 ClinGen Mitochondrial Disease Variant Curation Expert Panel on June 26, 2023. Mitochondrial DNA-specific ACMG/AMP criteria applied (PMID: 32906214): BP4.

Wong Mito Lab, Molecular and Human Genetics, Baylor College of Medicine
Classification: Likely benign for MELAS syndrome. Last evaluated: 2019-07-12. Review status: criteria provided, single submitter. Criteria: Modified ACMG Guidelines (Unpublished). Collection method: clinical testing. Allele origin: germline. Not counted in ClinVar's aggregate classification.
Comment: The NC_012920.1:m.1619C>T variant in MT-TV gene is interpreted to be a Likely Benign variant based on the modified ACMG guidelines (unpublished). This variant meets the following evidence codes reported in the guidelines: BS1, BP5, BP4

ARUP Laboratories, Molecular Genetics and Genomics, ARUP Laboratories
Classification: Uncertain significance. Last evaluated: 2017-07-18. Review status: criteria provided, single submitter. Criteria: ARUP Molecular Germline Variant Investigation Process. Collection method: clinical testing. Allele origin: germline. Not counted in ClinVar's aggregate classification.
Comment: This variant affects the mitochondrial tRNA for valine and has not been reported in the medical literature, is not listed in gene-specific variant databases, nor has it been previously identified in our laboratory. It is also rare in population databases such as MITOMAP (0.005% population frequency). However, the cytosine at position 1619 is weakly conserved (UCSC genome browser), suggesting this variant is evolutionary tolerated. However, based on the available information, the clinical significance of the m.1619C>T variant cannot be determined with certainty.

Literature cited by the submitters: PubMed 31965079 (cited by Wong Mito Lab, Molecular and Human Genetics, Baylor College of Medicine).